The following is an entry in ClinVar:

ClinVar aggregate classification (germline): Benign (1 of 4 stars; one submission).

Conditions:
Isolated focal non-epidermolytic palmoplantar keratoderma. Also called: Palmoplantar keratoderma, nonepidermolytic, focal 2. Identifiers: Orphanet 448264, MedGen C4225339, MONDO:0014622, OMIM 616400.

Allele frequency attached by ClinVar (database versions not stated): TOPMed 0.00388; gnomAD 0.00328 and 0.00346; 1000 Genomes Project 0.00359.
gnomAD v4.1: 1,016 of 1,404,968 alleles (0.072%); highest among the groups gnomAD compares: African/African-American, 1%; 5 homozygotes.

Submission:

Illumina Laboratory Services, Illumina
Classification: Benign for Isolated focal non-epidermolytic palmoplantar keratoderma. Last evaluated: 2018-01-13. Review status: criteria provided, single submitter. Criteria: ICSL Variant Classification Criteria 13 December 2019. Collection method: clinical testing. Allele origin: germline.
Comment: This variant was observed in the ICSL laboratory as part of a predisposition screen in an ostensibly healthy population. It had not been previously curated by ICSL or reported in the Human Gene Mutation Database (HGMD: prior to June 1st, 2018), and was therefore a candidate for classification through an automated scoring system. Utilizing variant allele frequency, disease prevalence and penetrance estimates, and inheritance mode, an automated score was calculated to assess if this variant is too frequent to cause the disease. Based on the score and internal cut-off values, a variant classified as benign is not then subjected to further curation. The score for this variant resulted in a classification of benign for this disease.

NM_145068.4(TRPV3):c.*63C>G

Genes: SPATA22 (spermatogenesis associated 22; minus strand), TRPV3 (transient receptor potential cation channel subfamily V member 3; minus strand). Cytogenetic location: 17p13.2.
Variant type: single nucleotide variant.
Coding change: c.*63C>G on transcript NM_145068.4 (MANE Select); 63 bases downstream of the stop codon, C replaced by G.
Molecular consequence: 3 prime UTR variant.
Genome position (GRCh38, 1-based): chr17:3,513,854, G>C on the plus strand (C>G on the coding strand, the complement: TRPV3 is on the minus strand). VCF-style: chr17-3513854-G-C. GRCh37 (hg19) VCF-style: chr17-3417148-G-C.
Other names: c.*63C>G (NM_001258205.2).
Identifiers: ClinVar variation 322746 (VCV000322746.5), dbSNP rs545886104, ClinGen allele CA10649904.
Genomic context (GRCh38, chr17:3,513,854, plus strand): 5'-GCACTCTGCTTCTAGGCCAGCAGAGCCGGACTCCACCATCCCTCAAAGCCTCTCTGCACA[G>C]AGTCGGTGACTCCGCCTGCAGCGCCAGACAGCGCACGCGCACACCAGCTCTGGGTTCCGC-3'